The following is an entry in ClinVar:

ClinVar aggregate classification (germline): Likely benign. Review status: criteria provided, multiple submitters, no conflicts (2 of 4 stars). 3 submissions from 3 submitters: Likely benign (3). Last evaluated 2025-07-15.

Conditions:
Inborn genetic diseases. Identifiers: MedGen C0950123, MeSH D030342.
Charcot-Marie-Tooth disease type 2. Also called: Charcot-Marie-Tooth type 2. Identifiers: Orphanet 64746, MedGen C0270914, MONDO:0018993.

Allele frequency attached by ClinVar (database versions not stated): gnomAD exomes below 0.00001.
gnomAD v4.1: 4 of 1,614,150 alleles (0.00025%); highest among the groups gnomAD compares: Non-Finnish European, 0.00034%; no homozygotes.

Submissions (3):

Labcorp Genetics (formerly Invitae), Labcorp
Classification: Likely benign for Charcot-Marie-Tooth disease type 2. Last evaluated: 2025-07-15. Review status: criteria provided, single submitter. Criteria: Invitae Variant Classification Sherloc (09022015). Collection method: clinical testing. Allele origin: germline.

Ambry Genetics
Classification: Likely benign for Inborn genetic diseases. Last evaluated: 2019-07-11. Review status: criteria provided, single submitter. Criteria: Ambry Variant Classification Scheme 2023. Collection method: clinical testing. Allele origin: germline.

GeneDx
Classification: Likely benign. Last evaluated: 2015-11-18. Review status: criteria provided, single submitter. Criteria: GeneDx Variant Classification (06012015). Collection method: clinical testing. Allele origin: germline. Affected: yes.
Comment: This variant is considered likely benign or benign based on one or more of the following criteria: it is a conservative change, it occurs at a poorly conserved position in the protein, it is predicted to be benign by multiple in silico algorithms, and/or has population frequency not consistent with disease.

NM_001605.3(AARS1):c.2265C>T (p.Val755=)

Gene: AARS1 (alanyl-tRNA synthetase 1; minus strand). Cytogenetic location: 16q22.1.
Variant type: single nucleotide variant.
Coding change: c.2265C>T on transcript NM_001605.3 (MANE Select); coding-DNA position 2265, C replaced by T.
Protein change: p.Val755=; no amino-acid change (valine 755 retained).
Molecular consequence: synonymous variant.
Genome position (GRCh38, 1-based): chr16:70,255,749, G>A on the plus strand (C>T on the coding strand, the complement: AARS1 is on the minus strand). VCF-style: chr16-70255749-G-A. GRCh37 (hg19) VCF-style: chr16-70289652-G-A.
Identifiers: ClinVar variation 381273 (VCV000381273.12), dbSNP rs1027921501, ClinGen allele CA16607086.